The following is an entry in ClinVar:

ClinVar aggregate classification (germline): Uncertain significance. Review status: criteria provided, multiple submitters, no conflicts (2 of 4 stars). 2 submissions from 2 submitters: Uncertain significance (2). Last evaluated 2024-06-16.

Conditions:
Inborn genetic diseases. Identifiers: MedGen C0950123, MeSH D030342.
Aortic valve disease 2 (AOVD2). Identifiers: MedGen C3542024, MONDO:0013902, OMIM 614823.

gnomAD v4.1: 11 of 1,598,874 alleles (0.00069%); highest among the groups gnomAD compares: African/African-American, 0.0027%; no homozygotes.

Submissions (2):

Ambry Genetics
Classification: Uncertain significance for Inborn genetic diseases. Last evaluated: 2024-06-16. Review status: criteria provided, single submitter. Criteria: Ambry Variant Classification Scheme 2023. Collection method: clinical testing. Allele origin: germline.
Comment: The p.P431H variant (also known as c.1292C>A), located in coding exon 4 of the SMAD6 gene, results from a C to A substitution at nucleotide position 1292. The proline at codon 431 is replaced by histidine, an amino acid with similar properties. This amino acid position is conserved. In addition, the in silico prediction for this alteration is inconclusive. Based on the available evidence, the clinical significance of this variant remains unclear.

Labcorp Genetics (formerly Invitae), Labcorp
Classification: Uncertain significance for Aortic valve disease 2. Last evaluated: 2024-05-07. Review status: criteria provided, single submitter. Criteria: Invitae Variant Classification Sherloc (09022015). Collection method: clinical testing. Allele origin: germline.
Comment: This sequence change replaces proline, which is neutral and non-polar, with histidine, which is basic and polar, at codon 431 of the SMAD6 protein (p.Pro431His). This variant is present in population databases (rs369647470, gnomAD 0.001%). This variant has not been reported in the literature in individuals affected with SMAD6-related conditions. Advanced modeling of protein sequence and biophysical properties (such as structural, functional, and spatial information, amino acid conservation, physicochemical variation, residue mobility, and thermodynamic stability) performed at Invitae indicates that this missense variant is not expected to disrupt SMAD6 protein function with a negative predictive value of 80%. In summary, the available evidence is currently insufficient to determine the role of this variant in disease. Therefore, it has been classified as a Variant of Uncertain Significance.

NM_005585.5(SMAD6):c.1292C>A (p.Pro431His)

Gene: SMAD6 (SMAD family member 6; plus strand). Cytogenetic location: 15q22.31.
Variant type: single nucleotide variant.
Coding change: c.1292C>A on transcript NM_005585.5 (MANE Select); coding-DNA position 1292, C replaced by A.
Protein change: p.Pro431His; replaces proline 431 with histidine.
Molecular consequence: missense variant. On other transcripts: non-coding transcript variant (1).
Genome position (GRCh38, 1-based): chr15:66,781,336, C>A. VCF-style: chr15-66781336-C-A. GRCh37 (hg19) VCF-style: chr15-67073674-C-A.
Other names: short protein forms P431H.
Identifiers: ClinVar variation 3320650 (VCV003320650.3).